The following is an entry in ClinVar:

NM_007327.4(GRIN1):c.650G>A (p.Arg217Gln)

Gene: GRIN1 (glutamate ionotropic receptor NMDA type subunit 1; plus strand). Cytogenetic location: 9q34.3.
Variant type: single nucleotide variant.
Coding change: c.650G>A on transcript NM_007327.4 (MANE Select); coding-DNA position 650, G replaced by A.
Protein change: p.Arg217Gln; replaces arginine 217 with glutamine.
Molecular consequence: missense variant.
Genome position (GRCh38, 1-based): chr9:137,149,088, G>A. VCF-style: chr9-137149088-G-A. GRCh37 (hg19) VCF-style: chr9-140043540-G-A.
Other names: c.650G>A, p.Arg217Gln (NM_000832.7, NM_021569.4); c.713G>A, p.Arg238Gln (NM_001185090.2, NM_001185091.2); short protein forms R238Q, R217Q.
Identifiers: ClinVar variation 2868151 (VCV002868151.3), dbSNP rs201764643, ClinGen allele CA5360725.

ClinVar aggregate classification (germline): Uncertain significance (1 of 4 stars; one submission).

Conditions:
Neurodevelopmental disorder with or without hyperkinetic movements and seizures, autosomal dominant. Also called: Intellectual disability, autosomal dominant 8. Identifiers: MedGen C3280282, MONDO:0013655, OMIM 614254.

Allele frequency attached by ClinVar (database versions not stated): TOPMed below 0.00001; gnomAD 0.00001; gnomAD exomes 0.00001; ExAC 0.00002.
gnomAD v4.1: 9 of 1,611,060 alleles (0.00056%); highest among the groups gnomAD compares: East Asian, 0.0022%; no homozygotes.

Submission:

Labcorp Genetics (formerly Invitae), Labcorp
Classification: Uncertain significance for Neurodevelopmental disorder with or without hyperkinetic movements and seizures, autosomal dominant. Last evaluated: 2024-06-05. Review status: criteria provided, single submitter. Criteria: Invitae Variant Classification Sherloc (09022015). Collection method: clinical testing. Allele origin: germline.
Comment: This sequence change replaces arginine, which is basic and polar, with glutamine, which is neutral and polar, at codon 217 of the GRIN1 protein (p.Arg217Gln). The frequency data for this variant in the population databases is considered unreliable, as metrics indicate poor data quality at this position in the gnomAD database. This variant has not been reported in the literature in individuals affected with GRIN1-related conditions. Advanced modeling of protein sequence and biophysical properties (such as structural, functional, and spatial information, amino acid conservation, physicochemical variation, residue mobility, and thermodynamic stability) has been performed at Invitae for this missense variant, however the output from this modeling did not meet the statistical confidence thresholds required to predict the impact of this variant on GRIN1 protein function. In summary, the available evidence is currently insufficient to determine the role of this variant in disease. Therefore, it has been classified as a Variant of Uncertain Significance.